The following is an entry in ClinVar:

ClinVar aggregate classification (germline): Benign/Likely benign. Review status: criteria provided, multiple submitters, no conflicts (2 of 4 stars). 13 submissions from 12 submitters: Benign (6); Likely benign (4). 3 of the submissions do not count toward it. Last evaluated 2026-03-05.

Conditions:
Endometrial carcinoma. Also called: Endometrial carcinoma, somatic. Identifiers: MedGen C0476089, MONDO:0002447, OMIM 608089, HP:0012114.
Colorectal cancer, hereditary nonpolyposis, type 7. Identifiers: Orphanet 144, MedGen C1858380, MONDO:0013725, OMIM 614385.

Allele frequency attached by ClinVar (database versions not stated): gnomAD exomes 0.00977 and 0.01093; 1000 Genomes Project 30x 0.01624; ExAC 0.01161; TOPMed 0.01583; 1000 Genomes Project 0.01697; gnomAD 0.01483 and 0.01486; ESP Exome Variant Server 0.01530.

Submissions (13):

Myriad Genetics, Inc.
Classification: Likely benign for Colorectal cancer, hereditary nonpolyposis, type 7. Last evaluated: 2026-03-05. Review status: criteria provided, single submitter. Criteria: Myriad Autosomal Dominant, Autosomal Recessive and X-Linked Classification Criteria (2023). Collection method: clinical testing. Allele origin: unknown.
Comment: This variant is considered likely benign. This variant has been observed at a population frequency that is significantly greater than expected given the associated disease prevalence and penetrance.

Labcorp Genetics (formerly Invitae), Labcorp
Classification: Benign for Colorectal cancer, hereditary nonpolyposis, type 7. Last evaluated: 2026-02-04. Review status: criteria provided, single submitter. Criteria: Invitae Variant Classification Sherloc (09022015). Collection method: clinical testing. Allele origin: germline.

Mayo Clinic Laboratories, Mayo Clinic
Classification: Likely benign. Last evaluated: 2025-09-04. Review status: criteria provided, single submitter. Criteria: ACMG Guidelines, 2015. Collection method: clinical testing. Allele origin: germline. Observed: 14 variant alleles.
Comment: BS1, BP4

ARUP Laboratories, Molecular Genetics and Genomics, ARUP Laboratories
Classification: Benign. Last evaluated: 2025-03-04. Review status: criteria provided, single submitter. Criteria: ARUP Molecular Germline Variant Investigation Process 2024. Collection method: clinical testing. Allele origin: germline.

Center for Genomic Medicine, Rigshospitalet, Copenhagen University Hospital
Classification: Benign. Last evaluated: 2025-03-04. Review status: criteria provided, single submitter. Criteria: ACMG Guidelines, 2015. Collection method: clinical testing. Allele origin: germline.

KCCC/NGS Laboratory, Kuwait Cancer Control Center
Classification: Benign for Endometrial carcinoma. Last evaluated: 2025-02-01. Review status: criteria provided, single submitter. Criteria: ACMG Guidelines, 2015. Collection method: clinical testing. Allele origin: germline. Affected: no.

KCCC/NGS Laboratory, Kuwait Cancer Control Center
Classification: Benign for Colorectal cancer, hereditary nonpolyposis, type 7. Last evaluated: 2023-07-07. Review status: criteria provided, single submitter. Criteria: ACMG Guidelines, 2015. Collection method: clinical testing. Allele origin: germline. Affected: yes.

Ambry Genetics
Classification: Benign. Last evaluated: 2020-07-30. Review status: criteria provided, single submitter. Criteria: Ambry Variant Classification Scheme 2023. Collection method: clinical testing. Allele origin: germline.

Illumina Laboratory Services, Illumina
Classification: Likely benign for Colorectal cancer, hereditary nonpolyposis, type 7. Last evaluated: 2018-01-12. Review status: criteria provided, single submitter. Criteria: ICSL Variant Classification Criteria 13 December 2019. Collection method: clinical testing. Allele origin: germline.
Comment: This variant was observed in the ICSL laboratory as part of a predisposition screen in an ostensibly healthy population. It had not been previously curated by ICSL or reported in the Human Gene Mutation Database (HGMD: prior to June 1st, 2018), and was therefore a candidate for classification through an automated scoring system. Utilizing variant allele frequency, disease prevalence and penetrance estimates, and inheritance mode, an automated score was calculated to assess if this variant is too frequent to cause the disease. Based on the score and internal cut-off values, a variant classified as likely benign is not then subjected to further curation. The score for this variant resulted in a classification of likely benign for this disease.

Breakthrough Genomics
Classification: Likely benign. Review status: criteria provided, single submitter. Criteria: ACMG Guidelines, 2015. Collection method: not provided. Allele origin: germline. Inheritance: Autosomal dominant inheritance. Affected: yes.

Clinical Genetics, Academic Medical Center
Classification: Benign. Review status: no assertion criteria provided. Collection method: clinical testing. Allele origin: germline. Affected: yes. Study: VKGL Data-share Consensus. Not counted in ClinVar's aggregate classification.

Department of Pathology and Laboratory Medicine, Sinai Health System
Classification: Benign. Review status: no assertion criteria provided. Collection method: clinical testing. Allele origin: unknown. Affected: yes. Study: The Canadian Open Genetics Repository (COGR). Not counted in ClinVar's aggregate classification.
Comment: The MLH3 p.Ser845Gly variant was identified in 5 of 934 proband chromosomes (frequency: 0.005) from individuals or families with colorectal cancer and was also present in 8 of 994 control chromosomes (frequency: 0.008) from healthy individuals (de Jong_2004_PMID:15193445). The variant was identified in dbSNP (ID: rs28756992), ClinVar (classified as likely benign by Illumina and as benign by Invitae for Lynch syndrome) and LOVD 3.0 (classified as a VUS) but was not identified in Cosmic. The variant was identified in control databases in 3189 of 282666 chromosomes (38 homozygous) at a frequency of 0.011282 increasing the likelihood this could be a low frequency benign variant (Genome Aggregation Database Feb 27, 2017). The variant was observed in the following populations: African in 791 of 24898 chromosomes (freq: 0.03177), South Asian in 856 of 30612 chromosomes (freq: 0.02796), East Asian in 240 of 19952 chromosomes (freq: 0.01203), Other in 76 of 7214 chromosomes (freq: 0.01054), European (non-Finnish) in 950 of 129064 chromosomes (freq: 0.007361), Latino in 217 of 35438 chromosomes (freq: 0.006123), Ashkenazi Jewish in 22 of 10368 chromosomes (freq: 0.002122), and European (Finnish) in 37 of 25120 chromosomes (freq: 0.001473). The p.Ser845 residue is not conserved in mammals and computational analyses (PolyPhen-2, SIFT, AlignGVGD, BLOSUM, MutationTaster) do not suggest a high likelihood of impact to the protein; however, this information is not predictive enough to rule out pathogenicity. The variant occurs outside of the splicing consensus sequence and in silico or computational prediction software programs (SpliceSiteFinder, MaxEntScan, NNSPLICE, GeneSplicer) do not predict a difference in splicing. In summary, based on the above information this variant meets our laboratory's criteria to be classified as benign.

Laboratory of Diagnostic Genome Analysis, Leiden University Medical Center (LUMC)
Classification: Benign. Review status: no assertion criteria provided. Collection method: clinical testing. Allele origin: germline. Affected: yes. Study: VKGL Data-share Consensus. Not counted in ClinVar's aggregate classification.

NM_001040108.2(MLH3):c.2533A>G (p.Ser845Gly)

Gene: MLH3 (mutL homolog 3; minus strand). Cytogenetic location: 14q24.3.
Variant type: single nucleotide variant.
Coding change: c.2533A>G on transcript NM_001040108.2 (MANE Select); coding-DNA position 2533, A replaced by G.
Protein change: p.Ser845Gly; replaces serine 845 with glycine.
Molecular consequence: missense variant.
Genome position (GRCh38, 1-based): chr14:75,047,123, T>C on the plus strand (A>G on the coding strand, the complement: MLH3 is on the minus strand). VCF-style: chr14-75047123-T-C. GRCh37 (hg19) VCF-style: chr14-75513826-T-C.
Other names: c.2533A>G, p.Ser845Gly (NM_014381.3); short protein forms S845G.
Identifiers: ClinVar variation 220674 (VCV000220674.32), dbSNP rs28756992, ClinGen allele CA348610.